The following is an entry in ClinVar:

GRCh37/hg19 22q11.22-11.23(chr22:22953515-24995256)x3

Genes: ADORA2A (adenosine A2a receptor; plus strand), BCR (BCR activator of RhoGEF and GTPase; plus strand), C22orf15 (chromosome 22 open reading frame 15; plus strand), CABIN1 (calcineurin binding protein 1; plus strand), CHCHD10 (coiled-coil-helix-coiled-coil-helix domain containing 10; minus strand) and 29 more. Cytogenetic location: 22q11.22-11.23.
Variant type: copy number gain.
Change: copy number 3 (three copies instead of two) of chr22:22,953,515-24,995,256 (2.04 Mb, GRCh37 coordinates, 1-based), cytogenetic band 22q11.22-11.23.
Identifiers: ClinVar variation 1808733 (VCV001808733.1).

ClinVar aggregate classification (germline): Likely pathogenic (1 of 4 stars; one submission).

Submission:

Quest Diagnostics Nichols Institute San Juan Capistrano
Classification: Likely pathogenic. Last evaluated: 2022-02-19. Review status: criteria provided, single submitter. Criteria: ACMG/ClinGen CNV Guidelines, 2019. Collection method: clinical testing. Allele origin: unknown.
Comment: This genomic gain the recurrent 22q11.2 distal LCR E-H duplication region. These gains have been reported in patients with developmental delay and other neurocognitive features. In a review of 30 cases by Pinchefsky et al., (Child Neurol Open. 2017 Nov1;4:2329048X17737651.PMID: 29147671) common features include developmental delay (93%), neuropsychiatric features (26%), and nonspecific facial dysmorphisms (74%). In 70% of cases, the distal 22q11.2 duplications were inherited and many, but not all, of the carrier parents were phenotypically normal. Of note, many of the affected individuals had a concomitant variant. There are also reports of patients with overlapping duplications who have achygyria, seizures, hypotonia, growth retardation, esophageal atresia, tracheoesophageal fistula, optic nerve coloboma/dysplasia in optic nerve, and cardiac defects (Valencia-Pena et al., BMC Ophthalmol.2020 Aug 17;20(1):333. PMID: 32807111; Nguyen et al., Clin Case Rep.2017 Feb 11;5(3):351-356. PMID: 28265405; Puvabanditsin S, et al.,Genet Couns. 2015;26(3):313-20. PMID: 26625662; Tan et al. Am J MedGenet A. 2011 Jul;155A(7):1623-33., PMID: 21671380; Wincent et al.,Mol Syndromol. 2010;1(5):246-254., PMID: 22140377; Coppinger, et al.,Hum Mol Genet. 2009.